The following is an entry in ClinVar:

NM_000138.5(FBN1):c.8068A>G (p.Met2690Val)

Gene: FBN1 (fibrillin 1; minus strand). Cytogenetic location: 15q21.1.
Variant type: single nucleotide variant.
Coding change: c.8068A>G on transcript NM_000138.5 (MANE Select); coding-DNA position 8068, A replaced by G.
Protein change: p.Met2690Val; replaces methionine 2690 with valine.
Molecular consequence: missense variant.
Genome position (GRCh38, 1-based): chr15:48,412,727, T>C on the plus strand (A>G on the coding strand, the complement: FBN1 is on the minus strand). VCF-style: chr15-48412727-T-C. GRCh37 (hg19) VCF-style: chr15-48704924-T-C.
Other names: c.8068A>G, p.Met2690Val (NM_001406716.1); short protein forms M2690V.
Identifiers: ClinVar variation 3891906 (VCV003891906.2).

ClinVar aggregate classification (germline): Uncertain significance. Review status: criteria provided, multiple submitters, no conflicts (2 of 4 stars). 2 submissions from 2 submitters: Uncertain significance (2). Last evaluated 2026-07-06.

Conditions:
Familial thoracic aortic aneurysm and aortic dissection (TAAD). Also called: Thoracic aortic aneurysms and dissections. Identifiers: Orphanet 91387, MedGen C4707243, MONDO:0019625.
Ectopia lentis 1, isolated, autosomal dominant (ECTOL1). Identifiers: Orphanet 1885, MedGen C3541518, MONDO:0007514, OMIM 129600.
Stiff skin syndrome (SSKS). Identifiers: Orphanet 2833, MedGen C1861456, MONDO:0008492, OMIM 184900.
Weill-Marchesani syndrome 2, dominant. Also called: Weill-Marchesani Syndrome, Autosomal Dominant; FBN1-Related Weill-Marchesani Syndrome. Identifiers: Orphanet 2084, MedGen C1869115, MONDO:0012013, OMIM 608328.
Acromicric dysplasia (ACMICD). Also called: Acromicric skeletal dysplasia. Identifiers: Orphanet 969, MedGen C0265287, MONDO:0007055, OMIM 102370.
Geleophysic dysplasia 2 (GPHYSD2). Identifiers: Orphanet 2623, MedGen C3280054, MONDO:0013612, OMIM 614185.
Marfan syndrome (MFS). Also called: MARFAN SYNDROME, TYPE I; Marfan syndrome type 1; Marfan's syndrome; Marfan syndrome, classic; FBN1-Related Marfan Syndrome. Identifiers: Orphanet 284963, Orphanet 558, MedGen C0024796, MONDO:0007947, OMIM 154700.
MASS syndrome (OCTD). Also called: MASS PHENOTYPE; OVERLAP CONNECTIVE TISSUE DISEASE. Identifiers: MedGen C1858556, MONDO:0011431, OMIM 604308.
Progeroid and marfanoid aspect-lipodystrophy syndrome. Also called: MARFANOID-PROGEROID-LIPODYSTROPHY SYNDROME; MARFANOID-PROGEROID SYNDROME; MARFAN-PROGEROID-LIPODYSTROPHY SYNDROME; Marfan lipodystrophy syndrome. Identifiers: Orphanet 300382, MedGen C4310796, MONDO:0014831, OMIM 616914.

Submissions (2):

Ambry Genetics
Classification: Uncertain significance for Familial thoracic aortic aneurysm and aortic dissection. Last evaluated: 2026-07-06. Review status: criteria provided, single submitter. Criteria: Ambry Variant Classification Scheme 2023. Collection method: clinical testing. Allele origin: germline.
Comment: The p.M2690V variant (also known as c.8068A>G), located in coding exon 64 of the FBN1 gene, results from an A to G substitution at nucleotide position 8068. The methionine at codon 2690 is replaced by valine, an amino acid with highly similar properties. This amino acid position is conserved. In addition, this alteration is predicted to be tolerated by in silico analysis. Based on the available evidence, the clinical significance of this variant remains unclear.

Department of Pathology and Laboratory Medicine, Sinai Health System
Classification: Uncertain significance for Acromicric dysplasia; Ectopia lentis 1, isolated, autosomal dominant; Marfan syndrome; Stiff skin syndrome; MASS syndrome; Weill-Marchesani syndrome 2, dominant; Geleophysic dysplasia 2; Progeroid and marfanoid aspect-lipodystrophy syndrome. Last evaluated: 2022-12-19. Review status: criteria provided, single submitter. Criteria: ACMG Guidelines, 2015. Collection method: research. Allele origin: germline.